The following is an entry in ClinVar:

NM_015335.5(MED13L):c.1092A>G (p.Arg364=)

Gene: MED13L (mediator complex subunit 13L; minus strand). Cytogenetic location: 12q24.21.
Variant type: single nucleotide variant.
Coding change: c.1092A>G on transcript NM_015335.5 (MANE Select); coding-DNA position 1092, A replaced by G.
Protein change: p.Arg364=; no amino-acid change (arginine 364 retained).
Molecular consequence: synonymous variant.
Genome position (GRCh38, 1-based): chr12:116,015,192, T>C on the plus strand (A>G on the coding strand, the complement: MED13L is on the minus strand). VCF-style: chr12-116015192-T-C. GRCh37 (hg19) VCF-style: chr12-116452997-T-C.
Identifiers: ClinVar variation 3031568 (VCV003031568.2), dbSNP rs374150159, ClinGen allele CA6811503.

ClinVar aggregate classification (germline): Likely benign (0 of 4 stars; one submission).

Conditions:
MED13L-related disorder. Also called: MED13L-related condition.

Allele frequency attached by ClinVar (database versions not stated): gnomAD exomes below 0.00001; ExAC 0.00002; gnomAD 0.00002; TOPMed 0.00007; ESP Exome Variant Server 0.00008.
gnomAD v4.1: 7 of 1,613,790 alleles (0.00043%); highest among the groups gnomAD compares: African/African-American, 0.0093%; no homozygotes.

Submission:

PreventionGenetics, part of Exact Sciences
Classification: Likely benign for MED13L-related condition. Last evaluated: 2023-11-13. Review status: no assertion criteria provided. Collection method: clinical testing. Allele origin: germline.
Comment: This variant is classified as likely benign based on ACMG/AMP sequence variant interpretation guidelines (Richards et al. 2015 PMID: 25741868, with internal and published modifications).